The following is an entry in ClinVar:

ClinVar aggregate classification (germline): Uncertain significance (1 of 4 stars; one submission).

Allele frequency attached by ClinVar (database versions not stated): gnomAD exomes 0.00001; TOPMed 0.00001.
gnomAD v4.1: 9 of 1,613,884 alleles (0.00056%); highest among the groups gnomAD compares: Non-Finnish European, 0.00068%; no homozygotes.

Submission:

Labcorp Genetics (formerly Invitae), Labcorp
Classification: Uncertain significance. Last evaluated: 2024-08-05. Review status: criteria provided, single submitter. Criteria: Invitae Variant Classification Sherloc (09022015). Collection method: clinical testing. Allele origin: germline.
Comment: This sequence change falls in intron 55 of the COL7A1 gene. It does not directly change the encoded amino acid sequence of the COL7A1 protein. It affects a nucleotide within the consensus splice site. This variant is not present in population databases (gnomAD no frequency). This variant has not been reported in the literature in individuals affected with COL7A1-related conditions. Variants that disrupt the consensus splice site are a relatively common cause of aberrant splicing (PMID: 17576681, 9536098). Algorithms developed to predict the effect of sequence changes on RNA splicing suggest that this variant is not likely to affect RNA splicing. In summary, the available evidence is currently insufficient to determine the role of this variant in disease. Therefore, it has been classified as a Variant of Uncertain Significance.

Literature cited by the submitters: PubMed 17576681; PubMed 9536098.

NM_000094.4(COL7A1):c.5098-3C>T

Gene: COL7A1 (collagen type VII alpha 1 chain; minus strand). Cytogenetic location: 3p21.31.
Variant type: single nucleotide variant.
Coding change: c.5098-3C>T on transcript NM_000094.4 (MANE Select); 3 bases into the intron before coding-DNA position 5098, C replaced by T.
Molecular consequence: intron variant.
Genome position (GRCh38, 1-based): chr3:48,580,060, G>A on the plus strand (C>T on the coding strand, the complement: COL7A1 is on the minus strand). VCF-style: chr3-48580060-G-A. GRCh37 (hg19) VCF-style: chr3-48617493-G-A.
Identifiers: ClinVar variation 2911377 (VCV002911377.3), dbSNP rs1202937418, ClinGen allele CA907755627.